The following is an entry in ClinVar:

NM_001129.5(AEBP1):c.3107G>A (p.Arg1036Gln)

Gene: AEBP1 (AE binding protein 1; plus strand). Cytogenetic location: 7p13.
Variant type: single nucleotide variant.
Coding change: c.3107G>A on transcript NM_001129.5 (MANE Select); coding-DNA position 3107, G replaced by A.
Protein change: p.Arg1036Gln; replaces arginine 1036 with glutamine.
Molecular consequence: missense variant.
Genome position (GRCh38, 1-based): chr7:44,113,891, G>A. VCF-style: chr7-44113891-G-A. GRCh37 (hg19) VCF-style: chr7-44153490-G-A.
Other names: short protein forms R1036Q.
Identifiers: ClinVar variation 3011057 (VCV003011057.3), dbSNP rs200356275, ClinGen allele CA4238410.

ClinVar aggregate classification (germline): Uncertain significance (1 of 4 stars; one submission).

Allele frequency attached by ClinVar (database versions not stated): ExAC 0.00011.
gnomAD v4.1: 81 of 1,613,120 alleles (0.005%); highest among the groups gnomAD compares: Non-Finnish European, 0.0026%; no homozygotes.

Submission:

Labcorp Genetics (formerly Invitae), Labcorp
Classification: Uncertain significance. Last evaluated: 2025-10-03. Review status: criteria provided, single submitter. Criteria: Invitae Variant Classification Sherloc (09022015). Collection method: clinical testing. Allele origin: germline.
Comment: This sequence change replaces arginine, which is basic and polar, with glutamine, which is neutral and polar, at codon 1036 of the AEBP1 protein (p.Arg1036Gln). This variant is present in population databases (rs200356275, gnomAD 0.06%). This variant has not been reported in the literature in individuals affected with AEBP1-related conditions. ClinVar contains an entry for this variant (Variation ID: 3011057). An algorithm developed to predict the effect of missense changes on protein structure and function outputs the following: PolyPhen-2: "Benign". The glutamine amino acid residue is found in multiple mammalian species, which suggests that this missense change does not adversely affect protein function. In summary, the available evidence is currently insufficient to determine the role of this variant in disease. Therefore, it has been classified as a Variant of Uncertain Significance.